The following is an entry in ClinVar:

NM_001754.5(RUNX1):c.1078G>C (p.Val360Leu)

Gene: RUNX1 (RUNX family transcription factor 1; minus strand). Cytogenetic location: 21q22.12.
Variant type: single nucleotide variant.
Coding change: c.1078G>C on transcript NM_001754.5 (MANE Select); coding-DNA position 1078, G replaced by C.
Protein change: p.Val360Leu; replaces valine 360 with leucine.
Molecular consequence: missense variant.
Genome position (GRCh38, 1-based): chr21:34,792,500, C>G on the plus strand (G>C on the coding strand, the complement: RUNX1 is on the minus strand). VCF-style: chr21-34792500-C-G. GRCh37 (hg19) VCF-style: chr21-36164797-C-G.
Other names: NM_001754.5(RUNX1):c.1078G>C; p.Val360Leu; c.997G>C, p.Val333Leu (NM_001001890.3); short protein forms V360L, V333L.
Identifiers: ClinVar variation 2089097 (VCV002089097.6), dbSNP rs2145877105, ClinGen allele CA410148204.

ClinVar aggregate classification (germline): Uncertain significance. Review status: reviewed by expert panel (3 of 4 stars). 3 submissions from 3 submitters: Uncertain significance (1). 2 of the submissions do not count toward it. Last evaluated 2024-07-25.

Conditions:
Inborn genetic diseases. Identifiers: MedGen C0950123, MeSH D030342.
Hereditary thrombocytopenia and hematologic cancer predisposition syndrome. Identifiers: Orphanet 71290, MedGen CN281654, MONDO:0011071.
Hereditary thrombocytopenia and hematological cancer predisposition syndrome associated with RUNX1. Also called: PLATELET DISORDER, ASPIRIN-LIKE; Familial Platelet Disorder with Propensity to Acute Myelogenous Leukemia; Familial thrombocytopenia with propensity to acute myelogenous leukemia; RUNX1 Familial Platelet Disorder with Associated Myeloid Malignancies. Identifiers: Orphanet 71290, MedGen C1832388, MeSH C563324, MONDO:0100083, OMIM 601399.

Submissions (3):

ClinGen Myeloid Malignancy Variant Curation Expert Panel
Classification: Uncertain significance for Hereditary thrombocytopenia and hematologic cancer predisposition syndrome. Last evaluated: 2024-07-25. Review status: reviewed by expert panel. Criteria: ClinGen MyeloMalig ACMG Specifications v2. Collection method: curation. Allele origin: germline. Inheritance: Autosomal dominant inheritance.
Comment: NM_001754.5(RUNX1):c.1078G>C (p.Val360Leu) is a missense variant which is completely absent from all population databases with at least 20x coverage for RUNX1 (PM2_supporting). Multiple lines of computational evidence suggest no impact on the gene/gene product (REVEL: 0.434, SpliceAI: Δ score 0.00) (BP4). In summary, the clinical significance of this variant is uncertain due to insufficient evidence. ACMG/AMP criteria applied, as specified by the Myeloid Malignancy Variant Curation Expert Panel for RUNX1: PM2_supporting and BP4.

Ambry Genetics
Classification: Uncertain significance for Inborn genetic diseases. Last evaluated: 2026-05-24. Review status: criteria provided, single submitter. Criteria: Ambry Variant Classification Scheme 2023. Collection method: clinical testing. Allele origin: germline. Not counted in ClinVar's aggregate classification.
Comment: The p.V360L variant (also known as c.1078G>C), located in coding exon 8 of the RUNX1 gene, results from a G to C substitution at nucleotide position 1078. The valine at codon 360 is replaced by leucine, an amino acid with highly similar properties. This amino acid position is conserved. In addition, the in silico prediction for this alteration is inconclusive. Based on the available evidence, the clinical significance of this variant remains unclear.

Labcorp Genetics (formerly Invitae), Labcorp
Classification: Uncertain significance for Hereditary thrombocytopenia and hematological cancer predisposition syndrome associated with RUNX1. Last evaluated: 2023-02-24. Review status: criteria provided, single submitter. Criteria: Invitae Variant Classification Sherloc (09022015). Collection method: clinical testing. Allele origin: germline. Not counted in ClinVar's aggregate classification.
Comment: In summary, the available evidence is currently insufficient to determine the role of this variant in disease. Therefore, it has been classified as a Variant of Uncertain Significance. Advanced modeling of protein sequence and biophysical properties (such as structural, functional, and spatial information, amino acid conservation, physicochemical variation, residue mobility, and thermodynamic stability) performed at Invitae indicates that this missense variant is not expected to disrupt RUNX1 protein function. This variant has not been reported in the literature in individuals affected with RUNX1-related conditions. This variant is not present in population databases (gnomAD no frequency). This sequence change replaces valine, which is neutral and non-polar, with leucine, which is neutral and non-polar, at codon 360 of the RUNX1 protein (p.Val360Leu).